The following is an entry in ClinVar:

ClinVar aggregate classification (germline): Uncertain significance. Review status: criteria provided, multiple submitters, no conflicts (2 of 4 stars). 2 submissions from 2 submitters: Uncertain significance (2). Last evaluated 2022-05-10.

Conditions:
Hereditary cancer-predisposing syndrome. Also called: Hereditary Cancer Syndrome; Hereditary neoplastic syndrome; Neoplastic Syndromes, Hereditary; Tumor predisposition. Identifiers: Orphanet 140162, MedGen C0027672, MeSH D009386, MONDO:0015356.

Submissions (2):

Labcorp Genetics (formerly Invitae), Labcorp
Classification: Uncertain significance. Last evaluated: 2022-05-10. Review status: criteria provided, single submitter. Criteria: Invitae Variant Classification Sherloc (09022015). Collection method: clinical testing. Allele origin: germline.
Comment: In summary, the available evidence is currently insufficient to determine the role of this variant in disease. Therefore, it has been classified as a Variant of Uncertain Significance. Algorithms developed to predict the effect of missense changes on protein structure and function (SIFT, PolyPhen-2, Align-GVGD) all suggest that this variant is likely to be tolerated. This variant has not been reported in the literature in individuals affected with POLE-related conditions. This variant is not present in population databases (gnomAD no frequency). This sequence change replaces methionine, which is neutral and non-polar, with valine, which is neutral and non-polar, at codon 2086 of the POLE protein (p.Met2086Val).

Ambry Genetics
Classification: Uncertain significance for Hereditary cancer-predisposing syndrome. Last evaluated: 2021-07-12. Review status: criteria provided, single submitter. Criteria: Ambry Variant Classification Scheme 2023. Collection method: clinical testing. Allele origin: germline.
Comment: The p.M2086V variant (also known as c.6256A>G), located in coding exon 45 of the POLE gene, results from an A to G substitution at nucleotide position 6256. The methionine at codon 2086 is replaced by valine, an amino acid with highly similar properties. This amino acid position is conserved. In addition, this alteration is predicted to be tolerated by in silico analysis. Since supporting evidence is limited at this time, the clinical significance of this alteration remains unclear.

NM_006231.4(POLE):c.6256A>G (p.Met2086Val)

Gene: POLE (DNA polymerase epsilon, catalytic subunit; minus strand). Cytogenetic location: 12q24.33.
Variant type: single nucleotide variant.
Coding change: c.6256A>G on transcript NM_006231.4 (MANE Select); coding-DNA position 6256, A replaced by G.
Protein change: p.Met2086Val; replaces methionine 2086 with valine.
Molecular consequence: missense variant.
Genome position (GRCh38, 1-based): chr12:132,632,389, T>C on the plus strand (A>G on the coding strand, the complement: POLE is on the minus strand). VCF-style: chr12-132632389-T-C. GRCh37 (hg19) VCF-style: chr12-133208975-T-C.
Other names: short protein forms M2086V.
Identifiers: ClinVar variation 1752461 (VCV001752461.6), dbSNP rs2541853867, ClinGen allele CA387369516.